The following is an entry in ClinVar:

ClinVar aggregate classification (germline): Pathogenic/Likely pathogenic. Review status: criteria provided, multiple submitters, no conflicts (2 of 4 stars). 6 submissions from 6 submitters: Pathogenic (4); Likely pathogenic (1). 1 of the submissions does not count toward it. Last evaluated 2026-01-14.

Conditions:
Rhizomelic chondrodysplasia punctata (RCDP). Identifiers: Orphanet 177, MedGen C0282529, MONDO:0015776. Disease mechanism: loss of function.
Peroxisome biogenesis disorder 9B. Also called: Refsum disease, adult, 2; PEX7-Related Refsum Disease; PEROXISOME BIOGENESIS DISORDER, PEX7-RELATED, ATYPICAL. Identifiers: Orphanet 773, MedGen C2749346, MONDO:0013945, OMIM 614879.
PEX7-related disorder. Also called: PEX7-related disorders; PEX7-related condition. Identifiers: MedGen CN239409.
Rhizomelic chondrodysplasia punctata type 1 (RCDP1). Also called: PEX7-Related Rhizomelic Chondrodysplasia Punctata; PEROXISOME BIOGENESIS DISORDER 9; CHONDRODYSTROPHIA CALCIFICANS PUNCTATA. Identifiers: Orphanet 177, Orphanet 309789, MedGen C1859133, MONDO:0008972, OMIM 215100. Disease mechanism: loss of function.

Allele frequency attached by ClinVar (database versions not stated): TOPMed below 0.00001; gnomAD 0.00001; gnomAD exomes 0.00001.

Submissions (6):

Labcorp Genetics (formerly Invitae), Labcorp
Classification: Pathogenic for Peroxisome biogenesis disorder 9B. Last evaluated: 2026-01-14. Review status: criteria provided, single submitter. Criteria: Invitae Variant Classification Sherloc (09022015). Collection method: clinical testing. Allele origin: germline.
Comment: This sequence change creates a premature translational stop signal (p.Val144Leufs*37) in the PEX7 gene. It is expected to result in an absent or disrupted protein product. Loss-of-function variants in PEX7 are known to be pathogenic (PMID: 12325024, 12522768, 20301447). This variant is present in population databases (rs61753248, gnomAD 0.01%). This premature translational stop signal has been observed in individual(s) with rhizomelic chondrodysplasia punctata (PMID: 12325024). ClinVar contains an entry for this variant (Variation ID: 554785). For these reasons, this variant has been classified as Pathogenic.

PreventionGenetics, part of Exact Sciences
Classification: Pathogenic for PEX7-related condition. Last evaluated: 2025-10-15. Review status: criteria provided, single submitter. Criteria: ACMG Guidelines, 2015. Collection method: clinical testing. Allele origin: germline.
Comment: The PEX7 c.429delT variant is predicted to result in a frameshift and premature protein termination (p.Val144Leufs*37). This variant has been reported in the compound heterozygous state in an individual with rhizomelic chondrodysplasia punctata (Braverman et al. 2002. PubMed ID: 12325024). This variant is reported in 0.011% of alleles in individuals of African descent in gnomAD. Frameshift variants in PEX7 are expected to be pathogenic. This variant is interpreted as pathogenic.

Natera, Inc.
Classification: Pathogenic for Rhizomelic Chondrodysplasia Punctata. Last evaluated: 2025-05-02. Review status: criteria provided, single submitter. Criteria: Natera Variant Classification Schema (03/2026). Collection method: clinical testing. Allele origin: germline.
Comment: The c.429delT variant in PEX7 is a frameshift variant predicted to shift the reading frame beginning at codon 144 and leads to a stop codon 37 codons downstream. This variant is expected to result in nonsense mediated decay, truncation, or a dysfunctional protein product. This variant is rare in the general population with a frequency below the threshold expected for the associated phenotype(s). This variant has been observed in one or more individuals affected with the associated recessive disease, as either homozygous or compound heterozygous with a second variant (PMID: 12325024). Given the available evidence, this variant is classified as Pathogenic.

Baylor Genetics
Classification: Pathogenic for Peroxisome biogenesis disorder 9B. Last evaluated: 2024-03-20. Review status: criteria provided, single submitter. Criteria: ACMG Guidelines, 2015. Collection method: clinical testing. Allele origin: unknown.

Women's Health and Genetics/Laboratory Corporation of America, LabCorp
Classification: Likely pathogenic for Rhizomelic chondrodysplasia punctata type 1. Last evaluated: 2023-02-13. Review status: criteria provided, single submitter. Criteria: LabCorp Variant Classification Summary - May 2015. Collection method: clinical testing. Allele origin: germline.
Comment: Variant summary: PEX7 c.429delT (p.Val144LeufsX37) results in a premature termination codon, predicted to cause a truncation of the encoded protein or absence of the protein due to nonsense mediated decay, which are commonly known mechanisms for disease. Truncations downstream of this position have been classified as pathogenic by our laboratory. The variant was absent in 251234 control chromosomes (gnomAD). c.429delT has been reported in the literature in individuals affected with Rhizomelic Chondrodysplasia Punctata Type 1 (example: Braverman_2002). To our knowledge, no experimental evidence demonstrating an impact on protein function has been reported. Three clinical diagnostic laboratories have submitted clinical-significance assessments for this variant to ClinVar after 2014 and all classified the variant as pathogenic/likely pathogenic. Based on the evidence outlined above, the variant was classified as likely pathogenic.

Counsyl
Classification: Likely pathogenic for Rhizomelic chondrodysplasia punctata type 1. Last evaluated: 2017-11-03. Review status: no assertion criteria provided. Collection method: clinical testing. Allele origin: unknown. Not counted in ClinVar's aggregate classification.

Literature cited by the submitters: PubMed 12325024 (cited by 4 submitters); PubMed 12522768 (cited by Labcorp Genetics (formerly Invitae), Labcorp); PubMed 20301447 (cited by Labcorp Genetics (formerly Invitae), Labcorp).

NM_000288.4(PEX7):c.429del (p.Val144fs)

Gene: PEX7 (peroxisomal biogenesis factor 7; plus strand). Cytogenetic location: 6q23.3.
Variant type: Deletion.
Coding change: c.429del on transcript NM_000288.4 (MANE Select); coding-DNA position 429, one base deleted (T; older notation c.429delT).
Protein change: p.Val144fs; shifts the reading frame from valine 144.
Molecular consequence: frameshift variant.
Genome position (GRCh38, 1-based): chr6:136,846,084, T deleted. VCF-style (leftmost placement, unchanged base first): chr6-136846083-CT-C. GRCh37 (hg19) VCF-style: chr6-137167221-CT-C.
Other names: c.429delT (NM_000288.4); short protein forms V144fs.
Identifiers: ClinVar variation 554785 (VCV000554785.14), dbSNP rs61753248, ClinGen allele CA148643376.
Genomic context (GRCh38, chr6:136,846,083, plus strand): 5'-ATAAATTTGAATTTATCCCTCAAGTAATTGATCTATTCATTTATTTGTAGTGGGATCCAA[CT>C]GTTGGAAAGTCTCTGTGCACCTTTAGAGGCCATGAAAGTATTATTTATAGCACAATCTGG-3'